The following is an entry in ClinVar:

ClinVar aggregate classification (germline): Conflicting classifications of pathogenicity. Review status: criteria provided, conflicting classifications (1 of 4 stars). 5 submissions from 5 submitters: Pathogenic (2); Likely pathogenic (1); Uncertain significance (2). Last evaluated 2025-12-14.

Conditions:
Mucopolysaccharidosis, MPS-IV-A (MPS4A). Also called: MORQUIO SYNDROME A; MPS IVA; mucopolysaccharidosis type 4A; Mucopolysaccharidosis type IV A; Morquio syndrome A, mild; GALACTOSAMINE-6-SULFATASE DEFICIENCY. Identifiers: Orphanet 309297, Orphanet 582, MedGen C0086651, MONDO:0009659, OMIM 253000.

Allele frequency attached by ClinVar (database versions not stated): TOPMed 0.00002; gnomAD 0.00003.
gnomAD v4.1: 10 of 1,555,106 alleles (0.00064%); highest among the groups gnomAD compares: African/African-American, 0.0014%; no homozygotes.

Submissions (5):

Labcorp Genetics (formerly Invitae), Labcorp
Classification: Pathogenic for Mucopolysaccharidosis, MPS-IV-A. Last evaluated: 2025-12-14. Review status: criteria provided, single submitter. Criteria: Invitae Variant Classification Sherloc (09022015). Collection method: clinical testing. Allele origin: germline.
Comment: This sequence change replaces asparagine, which is neutral and polar, with lysine, which is basic and polar, at codon 495 of the GALNS protein (p.Asn495Lys). This variant is present in population databases (no rsID available, gnomAD 0.01%). This missense change has been observed in individual(s) with mucopolysaccharidosis type IVA (PMID: 23876334, 25545067). In at least one individual the data is consistent with being in trans (on the opposite chromosome) from a pathogenic variant. ClinVar contains an entry for this variant (Variation ID: 265170). An algorithm developed to predict the effect of missense changes on protein structure and function (PolyPhen-2) suggests that this variant is likely to be disruptive. For these reasons, this variant has been classified as Pathogenic.

Genome-Nilou Lab
Classification: Uncertain significance for Mucopolysaccharidosis, MPS-IV-A. Last evaluated: 2021-11-07. Review status: criteria provided, single submitter. Criteria: ACMG Guidelines, 2015. Collection method: clinical testing. Allele origin: germline. Affected: no.

Laboratory of Diagnosis and Therapy of Lysosomal Disorders, University of Padova
Classification: Uncertain significance for Mucopolysaccharidosis, MPS-IV-A. Last evaluated: 2021-02-01. Review status: criteria provided, single submitter. Criteria: ACMG Guidelines, 2015. Collection method: research. Allele origin: germline. Affected: yes.
Comment: In vivo functional studies supportive of a damaging effect on the gene product (low to null enzymatic activity in homozygotes; PS3_moderate); the prevalence of the variant in affected individuals is significantly increased compared with the prevalence in controls (PS4_supporting); very low frequency in gnomAD v2.1.1 (PM2_moderate)

GeneDx
Classification: Pathogenic. Last evaluated: 2016-05-12. Review status: criteria provided, single submitter. Criteria: GeneDx Variant Classification (06012015). Collection method: clinical testing. Allele origin: germline. Affected: yes.
Comment: The N495K variant in the GALNS gene has been reported previously in the compound heterozygous state in three individuals with mucopolysaccharidosis IVA (Dung et al., 2013; Caciotti et al., 2015). The N495K variant was not observed in approximately 6400 individuals of European and African American ancestry in the NHLBI Exome Sequencing Project, indicating it is not a common benign variant in these populations. The N495K variant is a semi-conservative amino acid substitution, which may impact secondary protein structure as these residues differ in some properties. This substitution occurs at a position that is conserved across species. In silico analysis is inconsistent in its predictions as to whether or not the variant is damaging to the protein structure/function. We interpret N495K as a pathogenic variant.

Juno Genomics, Hangzhou Juno Genomics, Inc
Classification: Likely pathogenic for Mucopolysaccharidosis, MPS-IV-A. Review status: criteria provided, single submitter. Criteria: ACMG Guidelines, 2015. Collection method: clinical testing. Allele origin: germline.
Comment: Absent from controls (or at extremely low frequency if recessive) in Genome Aggregation Database.;Multiple lines of computational evidence support a deleterious effect on the gene or gene product.;For recessive disorders, detected in trans with a pathogenic variant.

Literature cited by the submitters: PubMed 23876334 (cited by Labcorp Genetics (formerly Invitae), Labcorp and Laboratory of Diagnosis and Therapy of Lysosomal Disorders, University of Padova); PubMed 25545067 (cited by Labcorp Genetics (formerly Invitae), Labcorp and Laboratory of Diagnosis and Therapy of Lysosomal Disorders, University of Padova); PubMed 24726177 (cited by Laboratory of Diagnosis and Therapy of Lysosomal Disorders, University of Padova); PubMed 34387910 (cited by Laboratory of Diagnosis and Therapy of Lysosomal Disorders, University of Padova).

NM_000512.5(GALNS):c.1485C>G (p.Asn495Lys)

Gene: GALNS (galactosamine (N-acetyl)-6-sulfatase; minus strand). Cytogenetic location: 16q24.3.
Variant type: single nucleotide variant.
Coding change: c.1485C>G on transcript NM_000512.5 (MANE Select); coding-DNA position 1485, C replaced by G.
Protein change: p.Asn495Lys; replaces asparagine 495 with lysine.
Molecular consequence: missense variant.
Genome position (GRCh38, 1-based): chr16:88,814,523, G>C on the plus strand (C>G on the coding strand, the complement: GALNS is on the minus strand). VCF-style: chr16-88814523-G-C. GRCh37 (hg19) VCF-style: chr16-88880931-G-C.
Other names: c.930C>G, p.Asn310Lys (NM_001323543.2); c.1503C>G, p.Asn501Lys (NM_001323544.2); short protein forms N495K, N501K, N310K.
Identifiers: ClinVar variation 265170 (VCV000265170.15), dbSNP rs886039377, ClinGen allele CA10588631.